The following is an entry in ClinVar:

NM_001378454.1(ALMS1):c.10909C>T (p.Gln3637Ter)

Gene: ALMS1 (ALMS1 centrosome and basal body associated protein; plus strand). Cytogenetic location: 2p13.1.
Variant type: single nucleotide variant.
Coding change: c.10909C>T on transcript NM_001378454.1 (MANE Select); coding-DNA position 10909, C replaced by T.
Protein change: p.Gln3637Ter; replaces glutamine 3637 with a stop codon.
Molecular consequence: nonsense.
Genome position (GRCh38, 1-based): chr2:73,572,786, C>T. VCF-style: chr2-73572786-C-T. GRCh37 (hg19) VCF-style: chr2-73799913-C-T.
Other names: c.10912C>T, p.Gln3638Ter (NM_015120.4); short protein forms Q3637*, Q3638*.
Identifiers: ClinVar variation 2819610 (VCV002819610.3), dbSNP rs754108525, ClinGen allele CA347286114.

ClinVar aggregate classification (germline): Pathogenic (1 of 4 stars; one submission).

Conditions:
Alstrom syndrome (ALMS). Identifiers: Orphanet 64, MedGen C0268425, MONDO:0008763, OMIM 203800.

Submission:

Labcorp Genetics (formerly Invitae), Labcorp
Classification: Pathogenic for Alstrom syndrome. Last evaluated: 2023-05-16. Review status: criteria provided, single submitter. Criteria: Invitae Variant Classification Sherloc (09022015). Collection method: clinical testing. Allele origin: germline.
Comment: This variant is not present in population databases (gnomAD no frequency). This sequence change creates a premature translational stop signal (p.Gln3638*) in the ALMS1 gene. It is expected to result in an absent or disrupted protein product. Loss-of-function variants in ALMS1 are known to be pathogenic (PMID: 17594715). This variant has not been reported in the literature in individuals affected with ALMS1-related conditions. For these reasons, this variant has been classified as Pathogenic.

Literature cited by the submitters: PubMed 17594715.